The following is an entry in ClinVar:

NM_001267550.2(TTN):c.86699del (p.Asn28900fs)

Genes: TTN (titin; minus strand), TTN-AS1 (TTN antisense RNA 1; plus strand). Cytogenetic location: 2q31.2.
Variant type: Deletion.
Coding change: c.86699del on transcript NM_001267550.2 (MANE Select); coding-DNA position 86699, one base deleted (A; older notation c.86699delA).
Protein change: p.Asn28900fs; shifts the reading frame from asparagine 28900.
Molecular consequence: frameshift variant.
Genome position (GRCh38, 1-based): chr2:178,559,433, T deleted on the plus strand (A on the coding strand, the reverse complement: TTN is on the minus strand); the first of 2 consecutive T bases (chr2:178,559,433-178,559,434); deleting either gives the same sequence. VCF-style (leftmost placement, unchanged base first): chr2-178559432-GT-G. GRCh37 (hg19) VCF-style: chr2-179424159-GT-G.
Other names: c.81776del, p.Asn27259fs (NM_001256850.1); c.59504del, p.Asn19835fs (NM_003319.4); c.78995del, p.Asn26332fs (NM_133378.4); c.59879del, p.Asn19960fs (NM_133432.3); c.60080del, p.Asn20027fs (NM_133437.4); short protein forms N20027fs, N26332fs, N19835fs, N19960fs, N27259fs, N28900fs.
Identifiers: ClinVar variation 1493260 (VCV001493260.8), dbSNP rs2154157834, ClinGen allele CA2573134161.

ClinVar aggregate classification (germline): Likely pathogenic (1 of 4 stars; one submission).

Conditions:
Dilated cardiomyopathy 1G (CMD1G). Identifiers: Orphanet 154, MedGen C1858763, MONDO:0011400, OMIM 604145.
Autosomal recessive limb-girdle muscular dystrophy type 2J (LGMDR10). Also called: Limb-girdle muscular dystrophy, type 2J; MUSCULAR DYSTROPHY, LIMB-GIRDLE, AUTOSOMAL RECESSIVE 10. Identifiers: Orphanet 140922, MedGen C1837342, MONDO:0012127, OMIM 608807.

Submission:

Labcorp Genetics (formerly Invitae), Labcorp
Classification: Likely pathogenic for Dilated cardiomyopathy 1G; Autosomal recessive limb-girdle muscular dystrophy type 2J. Last evaluated: 2021-06-11. Review status: criteria provided, single submitter. Criteria: Invitae Variant Classification Sherloc (09022015). Collection method: clinical testing. Allele origin: germline.
Comment: This sequence change creates a premature translational stop signal (p.Asn28900Thrfs*38) in the TTN gene. While this is not anticipated to result in nonsense mediated decay, it is expected to create a truncated TTN protein. This variant is not present in population databases (ExAC no frequency). This variant has not been reported in the literature in individuals with TTN-related conditions. This variant is located in the A band of TTN (PMID: 25589632). Truncating variants in this region are significantly overrepresented in patients affected with dilated cardiomyopathy (PMID: 25589632). Truncating variants in this region have also been reported in individuals affected with autosomal recessive centronuclear myopathy (PMID: 23975875). In summary, the currently available evidence indicates that the variant is pathogenic, but additional data are needed to prove that conclusively. Therefore, this variant has been classified as Likely Pathogenic.

Literature cited by the submitters: PubMed 25589632; PubMed 23975875.